The following is an entry in ClinVar:

NM_021072.4(HCN1):c.688A>G (p.Ile230Val)

Gene: HCN1 (hyperpolarization activated cyclic nucleotide gated potassium channel 1; minus strand). Cytogenetic location: 5p12.
Variant type: single nucleotide variant.
Coding change: c.688A>G on transcript NM_021072.4 (MANE Select); coding-DNA position 688, A replaced by G.
Protein change: p.Ile230Val; replaces isoleucine 230 with valine.
Molecular consequence: missense variant.
Genome position (GRCh38, 1-based): chr5:45,645,346, T>C on the plus strand (A>G on the coding strand, the complement: HCN1 is on the minus strand). VCF-style: chr5-45645346-T-C. GRCh37 (hg19) VCF-style: chr5-45645448-T-C.
Other names: short protein forms I230V.
Identifiers: ClinVar variation 4854495 (VCV004854495.1).

ClinVar aggregate classification (germline): Uncertain significance (1 of 4 stars; one submission).

Conditions:
Developmental and epileptic encephalopathy, 24 (DEE24). Also called: Epileptic encephalopathy, early infantile, 24. Identifiers: Orphanet 442835, MedGen C4014531, MONDO:0014377, OMIM 615871.

Submission:

3billion
Classification: Uncertain significance for Developmental and epileptic encephalopathy, 24. Last evaluated: 2026-01-15. Review status: criteria provided, single submitter. Criteria: ACMG Guidelines, 2015. Collection method: clinical testing. Allele origin: germline. Affected: yes.
Comment: The variant is not observed in the gnomAD v4.1.0 dataset. Predicted Consequence/Location: Missense variant. Missense changes are a common disease-causing mechanism. In silico tool predictions suggest damaging effect of the variant on gene or gene product [REVEL: 0.70 (>=0.6, sensitivity 0.68 and specificity 0.92)]. Therefore, this variant is classified as VUS according to the recommendation of ACMG/AMP guideline.